The following is an entry in ClinVar:

ClinVar aggregate classification (germline): Uncertain significance (0 of 4 stars; one submission).

Conditions:
VPS13B-related disorder. Also called: VPS13B-related condition.

Submission:

PreventionGenetics, part of Exact Sciences
Classification: Uncertain significance for VPS13B-related condition. Last evaluated: 2023-12-29. Review status: no assertion criteria provided. Collection method: clinical testing. Allele origin: germline.
Comment: The VPS13B c.10255T>A variant is predicted to result in the amino acid substitution p.Cys3419Ser. To our knowledge, this variant has not been reported in the literature or in a large population database, indicating this variant is rare. At this time, the clinical significance of this variant is uncertain due to the absence of conclusive functional and genetic evidence.

NM_152564.5(VPS13B):c.10255T>A (p.Cys3419Ser)

Gene: VPS13B (vacuolar protein sorting 13 homolog B; plus strand). Cytogenetic location: 8q22.2.
Variant type: single nucleotide variant.
Coding change: c.10255T>A on transcript NM_152564.5 (MANE Select); coding-DNA position 10255, T replaced by A.
Protein change: p.Cys3419Ser; replaces cysteine 3419 with serine.
Molecular consequence: missense variant.
Genome position (GRCh38, 1-based): chr8:99,853,644, T>A. VCF-style: chr8-99853644-T-A. GRCh37 (hg19) VCF-style: chr8-100865872-T-A.
Other names: c.10330T>A, p.Cys3444Ser (NM_017890.5); short protein forms C3419S, C3444S.
Identifiers: ClinVar variation 3349257 (VCV003349257.1).